The following is an entry in ClinVar:

NM_139125.4(MASP1):c.2076C>A (p.Cys692Ter)

Gene: MASP1 (MBL associated serine protease 1; minus strand). Cytogenetic location: 3q27.3.
Variant type: single nucleotide variant.
Coding change: c.2076C>A on transcript NM_139125.4 (MANE Select); coding-DNA position 2076, C replaced by A.
Protein change: p.Cys692Ter; replaces cysteine 692 with a stop codon.
Molecular consequence: nonsense. On other transcripts: non-coding transcript variant (1), intron variant (1).
Genome position (GRCh38, 1-based): chr3:187,235,795, G>T on the plus strand (C>A on the coding strand, the complement: MASP1 is on the minus strand). VCF-style: chr3-187235795-G-T. GRCh37 (hg19) VCF-style: chr3-186953583-G-T.
Other names: c.1303+5686C>A (NM_001879.6); short protein forms C692*.
Identifiers: ClinVar variation 2168658 (VCV002168658.4), dbSNP rs745444812, ClinGen allele CA355731329.
Genomic context (GRCh38, chr3:187,235,795, plus strand): 5'-CCACACCCAGTCCACGTAATTGGAGACCTTTGTGTAGACTCCATAGACCTGCTTGCTGCC[G>T]CATTCTTCAGGTCCCCCCCAGGACACCAGGCCTTGCACCACCCAGCGCTGGCTCAAGTCA-3'

ClinVar aggregate classification (germline): Uncertain significance (1 of 4 stars; one submission).

Conditions:
3MC syndrome 1. Also called: CRANIOSYNOSTOSIS WITH LID ANOMALIES; OCULOPALATOSKELETAL SYNDROME; MICHELS SYNDROME. Identifiers: Orphanet 293843, MedGen C0796059, MONDO:0009770, OMIM 257920.

gnomAD v4.1: 1 of 1,613,844 alleles (0.000062%); highest among the groups gnomAD compares: Non-Finnish European, 0.000085%; no homozygotes.

Submission:

Labcorp Genetics (formerly Invitae), Labcorp
Classification: Uncertain significance for 3MC syndrome 1. Last evaluated: 2022-08-06. Review status: criteria provided, single submitter. Criteria: Invitae Variant Classification Sherloc (09022015). Collection method: clinical testing. Allele origin: germline.
Comment: In summary, the available evidence is currently insufficient to determine the role of this variant in disease. Therefore, it has been classified as a Variant of Uncertain Significance. This variant disrupts a region of the MASP1 protein in which other variant(s) (p.Val704Gly) have been observed in individuals with MASP1-related conditions (PMID: 30601195). This suggests that this is a clinically significant region of the protein, and that variants that disrupt it are likely to be disease-causing. This variant has not been reported in the literature in individuals affected with MASP1-related conditions. This variant is not present in population databases (gnomAD no frequency). This sequence change creates a premature translational stop signal (p.Cys692*) in the MASP1 gene. While this is not anticipated to result in nonsense mediated decay, it is expected to disrupt the last 37 amino acid(s) of the MASP1 protein.

Literature cited by the submitters: PubMed 30601195.